The following is an entry in ClinVar:

ClinVar aggregate classification (germline): Pathogenic (1 of 4 stars; one submission).

Submission:

GeneDx
Classification: Pathogenic. Last evaluated: 2013-07-29. Review status: criteria provided, single submitter. Criteria: GeneDx Variant Classification (06012015). Collection method: clinical testing. Allele origin: germline. Affected: yes.
Comment: c.50401delT: p.Ser16801GlnfsX2 (S16801QfsX2) in exon 236 of the TTN gene (NM_001256850.1). The normal sequence with the base that is deleted in braces is: CTCC{T}CAGT. The c.50401delT mutation in the TTN gene has not been reported previously as a disease-causing mutation or as a benign polymorphism to our knowledge. c.50401delT causes a shift in reading frame starting at codon Serine 16801, changing it to a Glutamine, and creating a premature stop codon at position 2 of the new reading frame, denoted p.Ser16801GlnfsX2. This mutation is expected to result in either an abnormal, truncated protein product or loss of protein from this allele through nonsense-mediated mRNA decay. Other truncating TTN variants have been reported in approximately 3% of control alleles (Herman D et al., 2012). However, c.50401delT is located in the A-band region of titin, where the majority of truncating mutations associated with DCM have been reported (Herman D et al., 2012). In summary, c.50401delT in the TTN gene is interpreted as a disease-causing mutation. The variant is found in DCM panel(s).

NM_001267550.2(TTN):c.55324del (p.Ser18442fs)

Genes: TTN (titin; minus strand), TTN-AS1 (TTN antisense RNA 1; plus strand). Cytogenetic location: 2q31.2.
Variant type: Deletion.
Coding change: c.55324del on transcript NM_001267550.2 (MANE Select); coding-DNA position 55324, one base deleted (T; older notation c.55324delT).
Protein change: p.Ser18442fs; shifts the reading frame from serine 18442.
Molecular consequence: frameshift variant.
Genome position (GRCh38, 1-based): chr2:178,601,766, A deleted on the plus strand (T on the coding strand, the reverse complement: TTN is on the minus strand). VCF-style (leftmost placement, unchanged base first): chr2-178601765-GA-G. GRCh37 (hg19) VCF-style: chr2-179466492-GA-G.
Other names: c.50401del, p.Ser16801fs (NM_001256850.1); c.28129del, p.Ser9377fs (NM_003319.4); c.47620del, p.Ser15874fs (NM_133378.4); c.28504del, p.Ser9502fs (NM_133432.3); c.28705del, p.Ser9569fs (NM_133437.4); c.50401delT (NM_001256850.1); short protein forms S15874fs, S16801fs, S18442fs, S9569fs, S9502fs, S9377fs.
Identifiers: ClinVar variation 202453 (VCV000202453.1), dbSNP rs794729326, ClinGen allele CA309413.